The following is an entry in ClinVar:

ClinVar aggregate classification (germline): Uncertain significance. Review status: criteria provided, multiple submitters, no conflicts (2 of 4 stars). 3 submissions from 3 submitters: Uncertain significance (3). Last evaluated 2024-08-14.

Conditions:
Inborn genetic diseases. Identifiers: MedGen C0950123, MeSH D030342.
Brachydactyly type B1 (BDB1). Identifiers: Orphanet 572385, Orphanet 93383, MedGen C1862112, MONDO:0007220, OMIM 113000.
Autosomal recessive Robinow syndrome (RRS1). Also called: COSTOVERTEBRAL SEGMENTATION DEFECT WITH MESOMELIA; COVESDEM SYNDROME; ROR2-Related Robinow Syndrome; ROBINOW SYNDROME, AUTOSOMAL RECESSIVE 1. Identifiers: Orphanet 1507, Orphanet 97360, MedGen C5399974, MONDO:0009999, OMIM 268310.

Allele frequency attached by ClinVar (database versions not stated): gnomAD exomes below 0.00001; TOPMed below 0.00001; gnomAD 0.00001.
gnomAD v4.1: 6 of 1,612,664 alleles (0.00037%); highest among the groups gnomAD compares: Admixed American, 0.0033%; no homozygotes.

Submissions (3):

Ambry Genetics
Classification: Uncertain significance for Inborn genetic diseases. Last evaluated: 2024-08-14. Review status: criteria provided, single submitter. Criteria: Ambry Variant Classification Scheme 2023. Collection method: clinical testing. Allele origin: germline.

Fulgent Genetics
Classification: Uncertain significance for Brachydactyly type B1; Autosomal recessive Robinow syndrome. Last evaluated: 2024-04-13. Review status: criteria provided, single submitter. Criteria: ACMG Guidelines, 2015. Collection method: clinical testing. Allele origin: germline.

Labcorp Genetics (formerly Invitae), Labcorp
Classification: Uncertain significance. Last evaluated: 2021-12-25. Review status: criteria provided, single submitter. Criteria: Invitae Variant Classification Sherloc (09022015). Collection method: clinical testing. Allele origin: germline.
Comment: This sequence change replaces proline, which is neutral and non-polar, with leucine, which is neutral and non-polar, at codon 248 of the ROR2 protein (p.Pro248Leu). This variant is present in population databases (no rsID available, gnomAD 0.008%). This variant has not been reported in the literature in individuals affected with ROR2-related conditions. Advanced modeling of protein sequence and biophysical properties (such as structural, functional, and spatial information, amino acid conservation, physicochemical variation, residue mobility, and thermodynamic stability) performed at Invitae indicates that this missense variant is not expected to disrupt ROR2 protein function. In summary, the available evidence is currently insufficient to determine the role of this variant in disease. Therefore, it has been classified as a Variant of Uncertain Significance.

NM_004560.4(ROR2):c.743C>T (p.Pro248Leu)

Gene: ROR2 (receptor tyrosine kinase like orphan receptor 2; minus strand). Cytogenetic location: 9q22.31.
Variant type: single nucleotide variant.
Coding change: c.743C>T on transcript NM_004560.4 (MANE Select); coding-DNA position 743, C replaced by T.
Protein change: p.Pro248Leu; replaces proline 248 with leucine.
Molecular consequence: missense variant.
Genome position (GRCh38, 1-based): chr9:91,733,316, G>A on the plus strand (C>T on the coding strand, the complement: ROR2 is on the minus strand). VCF-style: chr9-91733316-G-A. GRCh37 (hg19) VCF-style: chr9-94495598-G-A.
Other names: c.743C>T (NM_004560.3); c.743C>T, p.Pro248Leu (NM_001318204.2); short protein forms P248L.
Identifiers: ClinVar variation 1943063 (VCV001943063.7), dbSNP rs1363164502, ClinGen allele CA373801144.
Genomic context (GRCh38, chr9:91,733,316, plus strand): 5'-TACTCCTGGCGGCACAGGTCGCTCTCCAGCACCTCGCACTCGTCGCGGCACAGCTCACGC[G>A]GCTTGGGTGTCCGGGAGCGCGCGTCGCACAGAGGAAACACGAAGTGGCAGAAGGATGGGA-3'
Protein context (NP_004551.2, residues 238-258): LCDARSRTPK[Pro248Leu]RELCRDECEV